The following is an entry in ClinVar:

ClinVar aggregate classification (germline): Likely pathogenic (1 of 4 stars; one submission).

Conditions:
Dilated cardiomyopathy 1G (CMD1G). Identifiers: Orphanet 154, MedGen C1858763, MONDO:0011400, OMIM 604145.
Autosomal recessive limb-girdle muscular dystrophy type 2J (LGMDR10). Also called: Limb-girdle muscular dystrophy, type 2J; MUSCULAR DYSTROPHY, LIMB-GIRDLE, AUTOSOMAL RECESSIVE 10. Identifiers: Orphanet 140922, MedGen C1837342, MONDO:0012127, OMIM 608807.

Submission:

Labcorp Genetics (formerly Invitae), Labcorp
Classification: Likely pathogenic for Dilated cardiomyopathy 1G; Autosomal recessive limb-girdle muscular dystrophy type 2J. Last evaluated: 2025-12-26. Review status: criteria provided, single submitter. Criteria: Invitae Variant Classification Sherloc (09022015). Collection method: clinical testing. Allele origin: germline.
Comment: This variant results in the deletion of part of exon 281 (c.54314_54381+139delinsATAAGG) of the TTN gene. It is expected to disrupt RNA splicing and likely results in a truncated or disrupted TTN protein. This variant is not present in population databases (gnomAD no frequency). This variant has not been reported in the literature in individuals affected with TTN-related conditions. ClinVar contains an entry for this variant (Variation ID: 649528). This variant is located in the A band of TTN (PMID: 25589632). Truncating variants in this region are significantly overrepresented in patients affected with dilated cardiomyopathy (PMID: 25589632). Truncating variants in this region have also been reported in individuals affected with autosomal recessive centronuclear myopathy (PMID: 23975875). In summary, the currently available evidence indicates that the variant is pathogenic, but additional data are needed to prove that conclusively. Therefore, this variant has been classified as Likely Pathogenic.

Literature cited by the submitters: PubMed 25589632; PubMed 23975875.

NM_001267550.2(TTN):c.54314_54381+139delinsATAAGG

Genes: TTN (titin; minus strand), TTN-AS1 (TTN antisense RNA 1; plus strand). Cytogenetic location: 2q31.2.
Variant type: Indel.
Coding change: c.54314_54381+139delinsATAAGG on transcript NM_001267550.2 (MANE Select); coding-DNA position 54314 through 139 bases into the intron after coding-DNA position 54381, the reference bases replaced by ATAAGG.
Molecular consequence: splice donor variant.
Genome position (GRCh38, 1-based): chr2:178,604,569-178,604,775, 207 bases replaced. GRCh37 (hg19): chr2:179,469,296-179,469,502.
Other names: c.27119_27186+139delinsATAAGG (NM_003319.4); c.27695_27762+139delinsATAAGG (NM_133437.4); c.27494_27561+139delinsATAAGG (NM_133432.3); c.46610_46677+139delinsATAAGG (NM_133378.4); c.49391_49458+139delinsATAAGG (NM_001256850.1).
Identifiers: ClinVar variation 649528 (VCV000649528.4), dbSNP rs1576327348, ClinGen allele CA915942197.